The following is an entry in ClinVar:

NM_000059.4(BRCA2):c.3213T>C (p.His1071=)

Gene: BRCA2 (BRCA2 DNA repair associated; plus strand). Cytogenetic location: 13q13.1.
Variant type: single nucleotide variant.
Coding change: c.3213T>C on transcript NM_000059.4 (MANE Select); coding-DNA position 3213, T replaced by C.
Protein change: p.His1071=; no amino-acid change (histidine 1071 retained).
Molecular consequence: synonymous variant.
Genome position (GRCh38, 1-based): chr13:32,337,568, T>C. VCF-style: chr13-32337568-T-C. GRCh37 (hg19) VCF-style: chr13-32911705-T-C.
Identifiers: ClinVar variation 215602 (VCV000215602.26), dbSNP rs863224304, ClinGen allele CA337560.

ClinVar aggregate classification (germline): Likely benign. Review status: reviewed by expert panel (3 of 4 stars). 8 submissions from 8 submitters: Likely benign (1). 7 of the submissions do not count toward it. Last evaluated 2017-06-29.

Conditions:
BRCA2-related cancer predisposition. Identifiers: MedGen CN377758, MONDO:0700269.
Hereditary cancer-predisposing syndrome. Also called: Tumor predisposition; Hereditary Cancer Syndrome; Neoplastic Syndromes, Hereditary; Hereditary neoplastic syndrome. Identifiers: Orphanet 140162, MedGen C0027672, MeSH D009386, MONDO:0015356.
Hereditary breast ovarian cancer syndrome. Also called: Hereditary breast and/or ovarian cancer syndrome; BRCA1- and BRCA2-Associated Hereditary Breast and Ovarian Cancer; Hereditary breast and ovarian cancer; Hereditary breast and ovarian cancer syndrome (HBOC); Breast and ovarian cancer; Hereditary breast and ovarian cancer syndrome. Identifiers: Orphanet 145, MedGen C0677776, MeSH D061325, MONDO:0003582. Disease mechanism: loss of function.
Breast-ovarian cancer, familial, susceptibility to, 2 (BROVCA2). Also called: BRCA2 Hereditary Breast and Ovarian Cancer. Identifiers: Orphanet 145, MedGen C2675520, MONDO:0012933, OMIM 612555. Disease mechanism: loss of function.

Allele frequency attached by ClinVar (database versions not stated): TOPMed 0.00001.

Submissions (8):

Evidence-based Network for the Interpretation of Germline Mutant Alleles (ENIGMA)
Classification: Likely benign for Breast-ovarian cancer, familial, susceptibility to, 2. Last evaluated: 2017-06-29. Review status: reviewed by expert panel. Criteria: ENIGMA BRCA1/2 Classification Criteria (2017-06-29). Collection method: curation. Allele origin: germline.
Comment: Synonymous substitution variant, with low bioinformatic likelihood to result in a splicing aberration (Splicing prior probability 0.02).

Labcorp Genetics (formerly Invitae), Labcorp
Classification: Likely benign for Hereditary breast ovarian cancer syndrome. Last evaluated: 2025-12-08. Review status: criteria provided, single submitter. Criteria: Invitae Variant Classification Sherloc (09022015). Collection method: clinical testing. Allele origin: germline. Not counted in ClinVar's aggregate classification.

All of Us Research Program, National Institutes of Health
Classification: Likely benign for BRCA2-related cancer predisposition. Last evaluated: 2024-05-30. Review status: criteria provided, single submitter. Criteria: ACMG Guidelines, 2015. Collection method: clinical testing. Allele origin: germline. Inheritance: Autosomal dominant inheritance. Observed: 3 variant alleles, 3 heterozygotes. Not counted in ClinVar's aggregate classification.
Comment: This study involves interpretation of variants in research participants for the purpose of population health screening. Participant phenotype was not available at the time of variant classification. Additional details can be found in publication PMID: 35346344, PMCID: PMC8962531

ARUP Laboratories, Molecular Genetics and Genomics, ARUP Laboratories
Classification: Likely benign. Last evaluated: 2024-04-08. Review status: criteria provided, single submitter. Criteria: ARUP Molecular Germline Variant Investigation Process 2024. Collection method: clinical testing. Allele origin: germline. Not counted in ClinVar's aggregate classification.

Women's Health and Genetics/Laboratory Corporation of America, LabCorp
Classification: Likely benign. Last evaluated: 2019-08-21. Review status: criteria provided, single submitter. Criteria: LabCorp Variant Classification Summary - May 2015. Collection method: clinical testing. Allele origin: germline. Not counted in ClinVar's aggregate classification.

Color Diagnostics, LLC DBA Color Health
Classification: Likely benign for Hereditary cancer-predisposing syndrome. Last evaluated: 2017-08-14. Review status: criteria provided, single submitter. Criteria: ACMG Guidelines, 2015. Collection method: clinical testing. Allele origin: germline. Not counted in ClinVar's aggregate classification.

Ambry Genetics
Classification: Likely benign for Hereditary cancer-predisposing syndrome. Last evaluated: 2015-08-22. Review status: criteria provided, single submitter. Criteria: Ambry Variant Classification Scheme 2023. Collection method: clinical testing. Allele origin: germline. Not counted in ClinVar's aggregate classification.

GeneDx
Classification: Benign. Last evaluated: 2015-03-03. Review status: criteria provided, single submitter. Criteria: GeneDx Variant Classification Process June 2021. Collection method: clinical testing. Allele origin: germline. Affected: yes. Not counted in ClinVar's aggregate classification.